The following is an entry in ClinVar:

NM_001853.4(COL9A3):c.1573A>G (p.Ile525Val)

Genes: COL9A3 (collagen type IX alpha 3 chain; plus strand), LOC126863084 (MED14-independent group 3 enhancer GRCh37_chr20:61467141-61468340; plus strand). Cytogenetic location: 20q13.33.
Variant type: single nucleotide variant.
Coding change: c.1573A>G on transcript NM_001853.4 (MANE Select); coding-DNA position 1573, A replaced by G.
Protein change: p.Ile525Val; replaces isoleucine 525 with valine.
Molecular consequence: missense variant.
Genome position (GRCh38, 1-based): chr20:62,836,502, A>G. VCF-style: chr20-62836502-A-G. GRCh37 (hg19) VCF-style: chr20-61467854-A-G.
Other names: c.1573A>G, p.Ile525Val (LRG_1253t1); short protein forms I525V.
Identifiers: ClinVar variation 1367424 (VCV001367424.10), dbSNP rs377234995, ClinGen allele CA10644369.
Genomic context (GRCh38, chr20:62,836,502, plus strand): 5'-GCCCCCATGCTGACGAATGTGTGGGGTGAATTCCAGGGGAAGGAGGCCAGCGAGCAGCGC[A>G]TCAGGGAGCTGTGTGGGGGGATGATCAGCGGTAAGTCAGCCACGTGCACCGGCTGCAGCG-3'
Protein context (NP_001844.3, residues 515-535): VPGKEASEQR[Ile525Val]RELCGGMISE

ClinVar aggregate classification (germline): Uncertain significance. Review status: criteria provided, multiple submitters, no conflicts (2 of 4 stars). 4 submissions from 4 submitters: Uncertain significance (4). Last evaluated 2026-01-08.

Conditions:
Inborn genetic diseases. Identifiers: MedGen C0950123, MeSH D030342.

Allele frequency attached by ClinVar (database versions not stated): gnomAD exomes 0.00001 and 0.00002; gnomAD 0.00002; TOPMed 0.00004; ESP Exome Variant Server 0.00008.
gnomAD v4.1: 27 of 1,613,284 alleles (0.0017%); highest among the groups gnomAD compares: Middle Eastern, 0.033%; no homozygotes.

Submissions (4):

Labcorp Genetics (formerly Invitae), Labcorp
Classification: Uncertain significance. Last evaluated: 2026-01-08. Review status: criteria provided, single submitter. Criteria: Invitae Variant Classification Sherloc (09022015). Collection method: clinical testing. Allele origin: germline.
Comment: This sequence change replaces isoleucine, which is neutral and non-polar, with valine, which is neutral and non-polar, at codon 525 of the COL9A3 protein (p.Ile525Val). This variant is present in population databases (rs377234995, gnomAD 0.002%). This variant has not been reported in the literature in individuals affected with COL9A3-related conditions. ClinVar contains an entry for this variant (Variation ID: 1367424). Invitae Evidence Modeling of protein sequence and biophysical properties (such as structural, functional, and spatial information, amino acid conservation, physicochemical variation, residue mobility, and thermodynamic stability) indicates that this missense variant is not expected to disrupt COL9A3 protein function with a negative predictive value of 95%. In summary, the available evidence is currently insufficient to determine the role of this variant in disease. Therefore, it has been classified as a Variant of Uncertain Significance.

GeneDx
Classification: Uncertain significance. Last evaluated: 2024-12-26. Review status: criteria provided, single submitter. Criteria: GeneDx Variant Classification Process June 2021. Collection method: clinical testing. Allele origin: germline. Affected: yes.
Comment: Not observed at significant frequency in large population cohorts (gnomAD); In silico analysis indicates that this missense variant does not alter protein structure/function; Has not been previously published as pathogenic or benign to our knowledge

Ambry Genetics
Classification: Uncertain significance for Inborn genetic diseases. Last evaluated: 2023-04-19. Review status: criteria provided, single submitter. Criteria: Ambry Variant Classification Scheme 2023. Collection method: clinical testing. Allele origin: germline.

Blueprint Genetics
Classification: Uncertain significance. Last evaluated: 2022-10-24. Review status: criteria provided, single submitter. Criteria: ACMG Guidelines, 2015. Collection method: clinical testing. Allele origin: germline.